The following is an entry in ClinVar:

NM_001754.5(RUNX1):c.227G>C (p.Arg76Pro)

Gene: RUNX1 (RUNX family transcription factor 1; minus strand). Cytogenetic location: 21q22.12.
Variant type: single nucleotide variant.
Coding change: c.227G>C on transcript NM_001754.5 (MANE Select); coding-DNA position 227, G replaced by C.
Protein change: p.Arg76Pro; replaces arginine 76 with proline.
Molecular consequence: missense variant.
Genome position (GRCh38, 1-based): chr21:34,886,967, C>G on the plus strand (G>C on the coding strand, the complement: RUNX1 is on the minus strand). VCF-style: chr21-34886967-C-G. GRCh37 (hg19) VCF-style: chr21-36259264-C-G.
Other names: NM_001754.5(RUNX1):c.227G>C; p.Arg76Pro; c.146G>C, p.Arg49Pro (NM_001001890.3, NM_001122607.2); short protein forms R49P, R76P.
Identifiers: ClinVar variation 2422003 (VCV002422003.9), dbSNP rs780816315, ClinGen allele CA410203853.

ClinVar aggregate classification (germline): Uncertain significance. Review status: reviewed by expert panel (3 of 4 stars). 3 submissions from 3 submitters: Uncertain significance (1). 2 of the submissions do not count toward it. Last evaluated 2025-05-02.

Conditions:
Hereditary thrombocytopenia and hematological cancer predisposition syndrome associated with RUNX1. Also called: Familial Platelet Disorder with Propensity to Acute Myelogenous Leukemia; Familial thrombocytopenia with propensity to acute myelogenous leukemia; PLATELET DISORDER, ASPIRIN-LIKE; RUNX1 Familial Platelet Disorder with Associated Myeloid Malignancies. Identifiers: Orphanet 71290, MedGen C1832388, MeSH C563324, MONDO:0100083, OMIM 601399.
Inborn genetic diseases. Identifiers: MedGen C0950123, MeSH D030342.
Hereditary thrombocytopenia and hematologic cancer predisposition syndrome. Identifiers: Orphanet 71290, MedGen CN281654, MONDO:0011071.

gnomAD v4.1: 1 of 1,610,856 alleles (0.000062%); highest among the groups gnomAD compares: Non-Finnish European, 0.000085%; no homozygotes.

Submissions (3):

ClinGen Myeloid Malignancy Variant Curation Expert Panel
Classification: Uncertain significance for Hereditary thrombocytopenia and hematologic cancer predisposition syndrome. Last evaluated: 2025-05-02. Review status: reviewed by expert panel. Criteria: ClinGen MyeloMalig ACMG Specifications v2. Collection method: curation. Allele origin: germline. Inheritance: Autosomal dominant inheritance.
Comment: NM_001754.5(RUNX1):c.227G>C (p.Arg76Pro) is a missense variant. This variant is completely absent from all population databases with 30x coverage for RUNX1 in gnomAD v2.1.1 and v3.1.2 (PM2_supporting). The REVEL score is ≥ 0.88 (0.906) (PP3). In summary, the clinical significance of this variant is uncertain. ACMG/AMP criteria applied, as specified by the Myeloid Malignancy Variant Curation Expert Panel for RUNX1: PM2_supporting, PP3.

Ambry Genetics
Classification: Uncertain significance for Inborn genetic diseases. Last evaluated: 2025-10-22. Review status: criteria provided, single submitter. Criteria: Ambry Variant Classification Scheme 2023. Collection method: clinical testing. Allele origin: germline. Not counted in ClinVar's aggregate classification.
Comment: The p.R76P variant (also known as c.227G>C), located in coding exon 3 of the RUNX1 gene, results from a G to C substitution at nucleotide position 227. The arginine at codon 76 is replaced by proline, an amino acid with dissimilar properties. This amino acid position is conserved. In addition, this alteration is predicted to be deleterious by in silico analysis. Based on the available evidence, the clinical significance of this variant remains unclear.

Labcorp Genetics (formerly Invitae), Labcorp
Classification: Uncertain significance for Hereditary thrombocytopenia and hematological cancer predisposition syndrome associated with RUNX1. Last evaluated: 2022-10-13. Review status: criteria provided, single submitter. Criteria: Invitae Variant Classification Sherloc (09022015). Collection method: clinical testing. Allele origin: germline. Not counted in ClinVar's aggregate classification.
Comment: In summary, the available evidence is currently insufficient to determine the role of this variant in disease. Therefore, it has been classified as a Variant of Uncertain Significance. Advanced modeling of protein sequence and biophysical properties (such as structural, functional, and spatial information, amino acid conservation, physicochemical variation, residue mobility, and thermodynamic stability) has been performed at Invitae for this missense variant, however the output from this modeling did not meet the statistical confidence thresholds required to predict the impact of this variant on RUNX1 protein function. This variant has not been reported in the literature in individuals affected with RUNX1-related conditions. This variant is not present in population databases (gnomAD no frequency). This sequence change replaces arginine, which is basic and polar, with proline, which is neutral and non-polar, at codon 76 of the RUNX1 protein (p.Arg76Pro).